The following is an entry in ClinVar:

ClinVar aggregate classification (germline): Benign (0 of 4 stars; one submission).

Conditions:
PDZD2-related disorder. Also called: PDZD2-related condition.

Allele frequency attached by ClinVar (database versions not stated): gnomAD exomes 0.00341; ExAC 0.01373; gnomAD 0.03615; ESP Exome Variant Server 0.03946; TOPMed 0.04047; 1000 Genomes Project 0.04153; 1000 Genomes Project 30x 0.04294.
gnomAD v4.1: 10,635 of 1,596,138 alleles (0.67%); highest among the groups gnomAD compares: African/African-American, 13%; 627 homozygotes.

Submission:

PreventionGenetics, part of Exact Sciences
Classification: Benign for PDZD2-related condition. Last evaluated: 2019-07-29. Review status: no assertion criteria provided. Collection method: clinical testing. Allele origin: germline.
Comment: This variant is classified as benign based on ACMG/AMP sequence variant interpretation guidelines (Richards et al. 2015 PMID: 25741868, with internal and published modifications).

NM_178140.4(PDZD2):c.3533A>G (p.Glu1178Gly)

Gene: PDZD2 (PDZ domain containing 2; plus strand). Cytogenetic location: 5p13.3.
Variant type: single nucleotide variant.
Coding change: c.3533A>G on transcript NM_178140.4 (MANE Select); coding-DNA position 3533, A replaced by G.
Protein change: p.Glu1178Gly; replaces glutamic acid 1178 with glycine.
Molecular consequence: missense variant.
Genome position (GRCh38, 1-based): chr5:32,074,639, A>G. VCF-style: chr5-32074639-A-G. GRCh37 (hg19) VCF-style: chr5-32074745-A-G.
Other names: short protein forms E1178G.
Identifiers: ClinVar variation 3037123 (VCV003037123.2), dbSNP rs57158698, ClinGen allele CA3219484.
Genomic context (GRCh38, chr5:32,074,639, plus strand): 5'-GAGTCCAGGCCACTTCTGTCAAAGTGACTGTCGCTGGCTTTCAGCCAGGTGGAGCTGTGG[A>G]GAAGGTAACTGACTTTCTCTTAGTTACTTGGAATGGAAGTGCATGAATATGTGTGAGTGA-3'
Protein context (NP_835260.2, residues 1168-1188): VAGFQPGGAV[Glu1178Gly]KESLGKLTTG